The following is an entry in ClinVar:

NM_015057.5(MYCBP2):c.8853C>T (p.Cys2951=)

Gene: MYCBP2 (MYC binding protein 2; minus strand). Cytogenetic location: 13q22.3.
Variant type: single nucleotide variant.
Coding change: c.8853C>T on transcript NM_015057.5 (MANE Select); coding-DNA position 8853, C replaced by T.
Protein change: p.Cys2951=; no amino-acid change (cysteine 2951 retained).
Molecular consequence: synonymous variant.
Genome position (GRCh38, 1-based): chr13:77,098,301, G>A on the plus strand (C>T on the coding strand, the complement: MYCBP2 is on the minus strand). VCF-style: chr13-77098301-G-A. GRCh37 (hg19) VCF-style: chr13-77672436-G-A.
Identifiers: ClinVar variation 3047133 (VCV003047133.2), dbSNP rs747481941, ClinGen allele CA7008592.

ClinVar aggregate classification (germline): Likely benign (0 of 4 stars; one submission).

Conditions:
MYCBP2-related disorder. Also called: MYCBP2-related condition.

Allele frequency attached by ClinVar (database versions not stated): gnomAD 0.00002; TOPMed 0.00002; ExAC 0.00004.
gnomAD v4.1: 136 of 1,611,328 alleles (0.0084%); highest among the groups gnomAD compares: East Asian, 0.011%; no homozygotes.

Submission:

PreventionGenetics, part of Exact Sciences
Classification: Likely benign for MYCBP2-related condition. Last evaluated: 2019-02-18. Review status: no assertion criteria provided. Collection method: clinical testing. Allele origin: germline.
Comment: This variant is classified as likely benign based on ACMG/AMP sequence variant interpretation guidelines (Richards et al. 2015 PMID: 25741868, with internal and published modifications).